The following is an entry in ClinVar:

ClinVar aggregate classification (germline): Likely pathogenic (1 of 4 stars; one submission).

Conditions:
Euthyroid goiter (MNG1). Also called: MULTINODULAR GOITER, ADOLESCENT; SIMPLE GOITER; GOITER, NONTOXIC, WITH INTRATHYROIDAL CALCIFICATION; Goiter, multinodular 1, with or without Sertoli-Leydig cell tumors. Identifiers: Orphanet 276399, MedGen C0302859, MONDO:0007681, OMIM 138800, HP:0009798.

Submission:

MVZ Medizinische Genetik Mainz
Classification: Likely pathogenic for Euthyroid goiter. Last evaluated: 2026-02-26. Review status: criteria provided, single submitter. Criteria: UK Practice Guidelines For Variant Classification V4 01 2020. Collection method: clinical testing. Allele origin: germline. Inheritance: Autosomal dominant inheritance. Affected: yes. Observed: 1 variant allele.
Comment: ACMG Criteria: PVS1,PM2_SUP

NM_177438.3(DICER1):c.4050+1dup

Gene: DICER1 (dicer 1, ribonuclease III; minus strand). Cytogenetic location: 14q32.13.
Variant type: Duplication.
Coding change: c.4050+1dup on transcript NM_177438.3 (MANE Select); the canonical splice donor site of the intron after coding-DNA position 4050, one base duplicated (G; older notation c.4050+1dupG).
Molecular consequence: splice donor variant.
Genome position (GRCh38, 1-based): chr14:95,103,345, C duplicated on the plus strand (G on the coding strand, the reverse complement: DICER1 is on the minus strand); the first of 2 consecutive C bases (chr14:95,103,345-95,103,346); duplicating either gives the same sequence. VCF-style (leftmost placement, unchanged base first): chr14-95103344-A-AC. GRCh37 (hg19) VCF-style: chr14-95569681-A-AC.
Other names: c.4050+1dup (NM_001291628.2, NM_030621.4, NM_001395677.1 and 12 more transcripts); c.3645+1dup (NM_001395690.1, NM_001395687.1, NM_001395689.1 and 2 more transcripts); c.3768+1dup (NM_001395686.1); c.3483+1dup (NM_001395691.1); c.2367+1dup (NM_001395697.1).
Identifiers: ClinVar variation 5038215 (VCV005038215.1).
Genomic context (GRCh38, chr14:95,103,344, plus strand): 5'-TGCAAACCACTTTCAGGCACACTGAATAATTAACTGCTCAAAATAAAAAAATCATCTCTT[A>AC]CCTTTTTGCTTCTCATATATGAAAGGCGGCCCTCATGCGCATCAGGGTAAGTGCAAAATA-3'